The following is an entry in ClinVar:

ClinVar aggregate classification (germline): Conflicting classifications of pathogenicity. Review status: criteria provided, conflicting classifications (1 of 4 stars). 4 submissions from 4 submitters: Likely pathogenic (1); Uncertain significance (3). Last evaluated 2025-01-30.

Conditions:
Geroderma osteodysplastica (GO). Also called: WALT DISNEY DWARFISM; Geroderma osteodysplasticum. Identifiers: Orphanet 2078, MedGen C0432255, MONDO:0009271, OMIM 231070.

Allele frequency attached by ClinVar (database versions not stated): gnomAD exomes 0.00017; ESP Exome Variant Server 0.00008; gnomAD 0.00015 and 0.00016; TOPMed 0.00008; ExAC 0.00021.
gnomAD v4.1: 242 of 1,613,976 alleles (0.015%); highest among the groups gnomAD compares: Non-Finnish European, 0.02%; no homozygotes.

Submissions (4):

Labcorp Genetics (formerly Invitae), Labcorp
Classification: Uncertain significance. Last evaluated: 2025-01-30. Review status: criteria provided, single submitter. Criteria: Invitae Variant Classification Sherloc (09022015). Collection method: clinical testing. Allele origin: germline.
Comment: This sequence change creates a premature translational stop signal (p.Leu332*) in the GORAB gene. While this is not anticipated to result in nonsense mediated decay, it is expected to disrupt the last 63 amino acid(s) of the GORAB protein. This variant is present in population databases (rs145659887, gnomAD 0.03%). This variant has not been reported in the literature in individuals affected with GORAB-related conditions. ClinVar contains an entry for this variant (Variation ID: 288228). This variant disrupts the C-terminus of the GORAB protein. Other variant(s) that disrupt this region (p.Phe375Leufs*26) have been observed in individuals with GORAB-related conditions (PMID: 18997784). This suggests that this may be a clinically significant region of the protein. In summary, the available evidence is currently insufficient to determine the role of this variant in disease. Therefore, it has been classified as a Variant of Uncertain Significance.

Genome-Nilou Lab
Classification: Uncertain significance for Geroderma osteodysplastica. Last evaluated: 2023-04-11. Review status: criteria provided, single submitter. Criteria: ACMG Guidelines, 2015. Collection method: clinical testing. Allele origin: germline. Affected: no.

Eurofins Ntd Llc (ga)
Classification: Uncertain significance. Last evaluated: 2016-06-28. Review status: criteria provided, single submitter. Criteria: EGL Classification Definitions 2015. Collection method: clinical testing. Allele origin: germline. Observed: 1 variant allele, 1 heterozygote.

Kariminejad - Najmabadi Pathology & Genetics Center
Classification: Likely pathogenic for Geroderma osteodysplastica. Review status: criteria provided, single submitter. Criteria: ACMG Guidelines, 2015. Collection method: clinical testing. Allele origin: germline. Affected: no.

Literature cited by the submitters: PubMed 18997784 (cited by Labcorp Genetics (formerly Invitae), Labcorp).

NM_152281.3(GORAB):c.920T>G (p.Leu307Ter)

Gene: GORAB (golgin, RAB6 interacting; plus strand). Cytogenetic location: 1q24.2.
Variant type: single nucleotide variant.
Coding change: c.920T>G on transcript NM_152281.3 (MANE Select); coding-DNA position 920, T replaced by G.
Protein change: p.Leu307Ter; replaces leucine 307 with a stop codon.
Molecular consequence: nonsense. On other transcripts: non-coding transcript variant (1).
Genome position (GRCh38, 1-based): chr1:170,552,272, T>G. VCF-style: chr1-170552272-T-G. GRCh37 (hg19) VCF-style: chr1-170521413-T-G.
Other names: c.455T>G, p.Leu152Ter (NM_001320252.2); short protein forms L152*, L307*.
Identifiers: ClinVar variation 288228 (VCV000288228.10), dbSNP rs145659887, ClinGen allele CA1239272.
Genomic context (GRCh38, chr1:170,552,272, plus strand): 5'-TGGAGGTCGAGAGATTGCTACACGAACAAGAAGTAGAATCAAGGAGACCAGTGGTTCGTT[T>G]AGAGAGGCCATTTCAGCCTGCGGAGGAGAGTGTGACATTAGAATTTGCTAAAGAGAACAG-3'